The following is an entry in ClinVar:

NM_030665.4(RAI1):c.5443C>G (p.Pro1815Ala)

Gene: RAI1 (retinoic acid induced 1; plus strand). Cytogenetic location: 17p11.2.
Variant type: single nucleotide variant.
Coding change: c.5443C>G on transcript NM_030665.4 (MANE Select); coding-DNA position 5443, C replaced by G.
Protein change: p.Pro1815Ala; replaces proline 1815 with alanine.
Molecular consequence: missense variant.
Genome position (GRCh38, 1-based): chr17:17,798,391, C>G. VCF-style: chr17-17798391-C-G. GRCh37 (hg19) VCF-style: chr17-17701705-C-G.
Other names: c.5443C>G (NM_030665.3); short protein forms P1815A.
Identifiers: ClinVar variation 2049763 (VCV002049763.6), dbSNP rs1427880966, ClinGen allele CA398559184.

ClinVar aggregate classification (germline): Conflicting classifications of pathogenicity. Review status: criteria provided, conflicting classifications (1 of 4 stars). 2 submissions from 2 submitters: Uncertain significance (1); Likely benign (1). Last evaluated 2026-05-11.

Conditions:
RAI1-related disorder. Also called: RAI1-related condition.

gnomAD v4.1: 6 of 1,610,016 alleles (0.00037%); highest among the groups gnomAD compares: East Asian, 0.0022%; no homozygotes.

Submissions (2):

PreventionGenetics, part of Exact Sciences
Classification: Uncertain significance for RAI1-related condition. Last evaluated: 2026-05-11. Review status: criteria provided, single submitter. Criteria: ACMG Guidelines, 2015. Collection method: clinical testing. Allele origin: germline.
Comment: The RAI1 c.5443C>G variant is predicted to result in the amino acid substitution p.Pro1815Ala. To our knowledge, this variant has not been reported in the literature. This variant is reported in 0.0056% of alleles in individuals of East Asian descent in gnomAD. At this time, the clinical significance of this variant is uncertain due to the absence of conclusive functional and genetic evidence.

Labcorp Genetics (formerly Invitae), Labcorp
Classification: Likely benign. Last evaluated: 2024-06-17. Review status: criteria provided, single submitter. Criteria: Invitae Variant Classification Sherloc (09022015). Collection method: clinical testing. Allele origin: germline.